The following is an entry in ClinVar:

NM_001162501.2(TNRC6B):c.1648C>T (p.Gln550Ter)

Gene: TNRC6B (trinucleotide repeat containing adaptor 6B; plus strand). Cytogenetic location: 22q13.1.
Variant type: single nucleotide variant.
Coding change: c.1648C>T on transcript NM_001162501.2 (MANE Select); coding-DNA position 1648, C replaced by T.
Protein change: p.Gln550Ter; replaces glutamine 550 with a stop codon.
Molecular consequence: nonsense. On other transcripts: intron variant (1).
Genome position (GRCh38, 1-based): chr22:40,265,878, C>T. VCF-style: chr22-40265878-C-T. GRCh37 (hg19) VCF-style: chr22-40661882-C-T.
Other names: c.1648C>T, p.Gln550Ter (NM_015088.3); c.565+3705C>T (NM_001024843.2); short protein forms Q550*.
Identifiers: ClinVar variation 2503480 (VCV002503480.2), dbSNP rs2517986860, ClinGen allele CA411630371.

ClinVar aggregate classification (germline): Likely pathogenic (1 of 4 stars; one submission).

Conditions:
Global developmental delay with speech and behavioral abnormalities. Identifiers: MedGen C5543226, MONDO:0030995, OMIM 619243.

Submission:

Center for Human Genetics and Genomic Medicine, Uniklinik Rwth Aachen
Classification: Likely pathogenic for Global developmental delay with speech and behavioral abnormalities. Last evaluated: 2023-03-24. Review status: criteria provided, single submitter. Criteria: ACMG Guidelines, 2015. Collection method: clinical testing. Allele origin: unknown. Inheritance: Autosomal dominant inheritance. Affected: yes. Observed: 1 heterozygote.
Comment: The variant is not listed in gnomAD. It has not yet been described in the literature or in the ClinVar database. In the case of stop or nonsense variants in a gene matching the phenotype (and matching mode of inheritance), in which "loss of function" alterations represent a known pathomechanism, a pathogenetic relevance can be assumed. Therefore, this variant has been classified as "likely pathogenic".